The following is an entry in ClinVar:

ClinVar aggregate classification (germline): Uncertain significance (1 of 4 stars; one submission).

Conditions:
Hereditary cancer-predisposing syndrome. Also called: Tumor predisposition; Hereditary neoplastic syndrome; Hereditary Cancer Syndrome; Neoplastic Syndromes, Hereditary. Identifiers: Orphanet 140162, MedGen C0027672, MeSH D009386, MONDO:0015356.

Submission:

Ambry Genetics
Classification: Uncertain significance for Hereditary cancer-predisposing syndrome. Last evaluated: 2024-01-27. Review status: criteria provided, single submitter. Criteria: Ambry Variant Classification Scheme 2023. Collection method: clinical testing. Allele origin: germline.
Comment: The p.Y804S variant (also known as c.2411A>C), located in coding exon 10 of the AXIN2 gene, results from an A to C substitution at nucleotide position 2411. The tyrosine at codon 804 is replaced by serine, an amino acid with dissimilar properties. This amino acid position is conserved. In addition, this alteration is predicted to be deleterious by in silico analysis. Based on the available evidence, the clinical significance of this alteration remains unclear.

NM_004655.4(AXIN2):c.2411A>C (p.Tyr804Ser)

Gene: AXIN2 (axin 2; minus strand). Cytogenetic location: 17q24.1.
Variant type: single nucleotide variant.
Coding change: c.2411A>C on transcript NM_004655.4 (MANE Select); coding-DNA position 2411, A replaced by C.
Protein change: p.Tyr804Ser; replaces tyrosine 804 with serine.
Molecular consequence: missense variant.
Genome position (GRCh38, 1-based): chr17:65,530,097, T>G on the plus strand (A>C on the coding strand, the complement: AXIN2 is on the minus strand). VCF-style: chr17-65530097-T-G. GRCh37 (hg19) VCF-style: chr17-63526215-T-G.
Other names: c.2216A>C, p.Tyr739Ser (NM_001363813.1); short protein forms Y739S, Y804S.
Identifiers: ClinVar variation 3224400 (VCV003224400.1), dbSNP rs2509369219, ClinGen allele CA400674977.